The following is an entry in ClinVar:

NM_170601.5(SIAE):c.1399G>C (p.Ala467Pro)

Gene: SIAE (sialic acid acetylesterase; minus strand). Cytogenetic location: 11q24.2.
Variant type: single nucleotide variant.
Coding change: c.1399G>C on transcript NM_170601.5 (MANE Select); coding-DNA position 1399, G replaced by C.
Protein change: p.Ala467Pro; replaces alanine 467 with proline.
Molecular consequence: missense variant.
Genome position (GRCh38, 1-based): chr11:124,637,124, C>G on the plus strand (G>C on the coding strand, the complement: SIAE is on the minus strand). VCF-style: chr11-124637124-C-G. GRCh37 (hg19) VCF-style: chr11-124507020-C-G.
Other names: c.1294G>C, p.Ala432Pro (NM_001199922.2); short protein forms A467P, A432P.
Identifiers: ClinVar variation 4748116 (VCV004748116.1).
Genomic context (GRCh38, chr11:124,637,124, plus strand): 5'-AAGGCCACGTGGTCCAAGCATAGCGGAGAGCAACCACAGTGCCATGACAAGAATCGATCG[C>G]CAGGGTCAGGGACTGGGTGGAGACGGTGTTCATAGAAGCTGGAAGCCACTTGCATCGATG-3'
Protein context (NP_733746.1, residues 457-477): NTVSTQSLTL[Ala467Pro]IDSCHGTVVA

ClinVar aggregate classification (germline): Uncertain significance (1 of 4 stars; one submission).

gnomAD v4.1: 1 of 1,614,158 alleles (0.000062%); highest among the groups gnomAD compares: Non-Finnish European, 0.000085%; no homozygotes.

Submission:

Labcorp Genetics (formerly Invitae), Labcorp
Classification: Uncertain significance. Last evaluated: 2025-08-06. Review status: criteria provided, single submitter. Criteria: Invitae Variant Classification Sherloc (09022015). Collection method: clinical testing. Allele origin: germline.
Comment: This sequence change replaces alanine, which is neutral and non-polar, with proline, which is neutral and non-polar, at codon 467 of the SIAE protein (p.Ala467Pro). This variant is not present in population databases (gnomAD no frequency). This variant has not been reported in the literature in individuals affected with SIAE-related conditions. An algorithm developed to predict the effect of missense changes on protein structure and function (PolyPhen-2) suggests that this variant is likely to be tolerated. In summary, the available evidence is currently insufficient to determine the role of this variant in disease. Therefore, it has been classified as a Variant of Uncertain Significance.